The following is an entry in ClinVar:

NM_004370.6(COL12A1):c.4697T>C (p.Leu1566Ser)

Gene: COL12A1 (collagen type XII alpha 1 chain; minus strand). Cytogenetic location: 6q13.
Variant type: single nucleotide variant.
Coding change: c.4697T>C on transcript NM_004370.6 (MANE Select); coding-DNA position 4697, T replaced by C.
Protein change: p.Leu1566Ser; replaces leucine 1566 with serine.
Molecular consequence: missense variant.
Genome position (GRCh38, 1-based): chr6:75,143,382, A>G on the plus strand (T>C on the coding strand, the complement: COL12A1 is on the minus strand). VCF-style: chr6-75143382-A-G. GRCh37 (hg19) VCF-style: chr6-75853098-A-G.
Other names: c.1205T>C, p.Leu402Ser (NM_080645.3); short protein forms L1566S, L402S.
Identifiers: ClinVar variation 1461909 (VCV001461909.6), dbSNP rs2149402848, ClinGen allele CA364742499.

ClinVar aggregate classification (germline): Uncertain significance (1 of 4 stars; one submission).

Conditions:
Ullrich congenital muscular dystrophy 2 (UCMD2). Identifiers: Orphanet 75840, MedGen C4225314, MONDO:0014654, OMIM 616470.
Bethlem myopathy 2 (BTHLM2). Identifiers: Orphanet 536516, Orphanet 610, MedGen C4225313, MONDO:0034022, OMIM 616471.

Submission:

Labcorp Genetics (formerly Invitae), Labcorp
Classification: Uncertain significance for Bethlem myopathy 2; Ullrich congenital muscular dystrophy 2. Last evaluated: 2021-08-14. Review status: criteria provided, single submitter. Criteria: Invitae Variant Classification Sherloc (09022015). Collection method: clinical testing. Allele origin: germline.
Comment: This sequence change replaces leucine with serine at codon 1566 of the COL12A1 protein (p.Leu1566Ser). The leucine residue is moderately conserved and there is a large physicochemical difference between leucine and serine. This variant is not present in population databases (ExAC no frequency). This variant has not been reported in the literature in individuals affected with COL12A1-related conditions. Algorithms developed to predict the effect of missense changes on protein structure and function are either unavailable or do not agree on the potential impact of this missense change (SIFT: "Deleterious"; PolyPhen-2: "Possibly Damaging"; Align-GVGD: "Class C0"). In summary, the available evidence is currently insufficient to determine the role of this variant in disease. Therefore, it has been classified as a Variant of Uncertain Significance.